The following is an entry in ClinVar:

NM_174941.6(CD163L1):c.1772G>T (p.Arg591Leu)

Gene: CD163L1 (CD163 molecule like 1; minus strand). Cytogenetic location: 12p13.31.
Variant type: single nucleotide variant.
Coding change: c.1772G>T on transcript NM_174941.6 (MANE Select); coding-DNA position 1772, G replaced by T.
Protein change: p.Arg591Leu; replaces arginine 591 with leucine.
Molecular consequence: missense variant.
Genome position (GRCh38, 1-based): chr12:7,396,373, C>A on the plus strand (G>T on the coding strand, the complement: CD163L1 is on the minus strand). VCF-style: chr12-7396373-C-A. GRCh37 (hg19) VCF-style: chr12-7548969-C-A.
Other names: c.1802G>T, p.Arg601Leu (NM_001297650.2); short protein forms R591L, R601L.
Identifiers: ClinVar variation 3024755 (VCV003024755.22), dbSNP rs145411783, ClinGen allele CA6427761.

ClinVar aggregate classification (germline): Likely benign (1 of 4 stars; one submission).

Allele frequency attached by ClinVar (database versions not stated): 1000 Genomes Project 30x 0.00141; 1000 Genomes Project 0.00160; ESP Exome Variant Server 0.00261.
gnomAD v4.1: 5,941 of 1,610,572 alleles (0.37%); highest among the groups gnomAD compares: Non-Finnish European, 0.39%; 23 homozygotes.

Submission:

CeGaT Center for Human Genetics Tuebingen
Classification: Likely benign. Last evaluated: 2024-02-01. Review status: criteria provided, single submitter. Criteria: CeGaT Center For Human Genetics Tuebingen Variant Classification Criteria Version 2. Collection method: clinical testing. Allele origin: germline. Affected: yes. Observed: 1 variant allele.
Comment: CD163L1: BP4, BS2